The following is an entry in ClinVar:

ClinVar aggregate classification (germline): Uncertain significance (1 of 4 stars; one submission).

Submission:

GeneDx
Classification: Uncertain significance. Last evaluated: 2023-10-06. Review status: criteria provided, single submitter. Criteria: GeneDx Variant Classification Process June 2021. Collection method: clinical testing. Allele origin: germline.
Comment: Not observed at significant frequency in large population cohorts (gnomAD); In silico analysis supports that this missense variant has a deleterious effect on protein structure/function; Has not been previously published as pathogenic or benign to our knowledge

NM_015335.5(MED13L):c.2847G>A (p.Met949Ile)

Gene: MED13L (mediator complex subunit 13L; minus strand). Cytogenetic location: 12q24.21.
Variant type: single nucleotide variant.
Coding change: c.2847G>A on transcript NM_015335.5 (MANE Select); coding-DNA position 2847, G replaced by A.
Protein change: p.Met949Ile; replaces methionine 949 with isoleucine.
Molecular consequence: missense variant.
Genome position (GRCh38, 1-based): chr12:115,996,625, C>T on the plus strand (G>A on the coding strand, the complement: MED13L is on the minus strand). VCF-style: chr12-115996625-C-T. GRCh37 (hg19) VCF-style: chr12-116434430-C-T.
Other names: short protein forms M949I.
Identifiers: ClinVar variation 2502450 (VCV002502450.2), dbSNP rs2499872967, ClinGen allele CA386889837.